The following is an entry in ClinVar:

NM_001042492.3(NF1):c.6883G>T (p.Val2295Leu)

Gene: NF1 (neurofibromin 1; plus strand). Cytogenetic location: 17q11.2.
Variant type: single nucleotide variant.
Coding change: c.6883G>T on transcript NM_001042492.3 (MANE Select); coding-DNA position 6883, G replaced by T.
Protein change: p.Val2295Leu; replaces valine 2295 with leucine.
Molecular consequence: missense variant.
Genome position (GRCh38, 1-based): chr17:31,338,767, G>T. VCF-style: chr17-31338767-G-T. GRCh37 (hg19) VCF-style: chr17-29665785-G-T.
Other names: c.6820G>T, p.Val2274Leu (NM_000267.4); short protein forms V2295L, V2274L.
Identifiers: ClinVar variation 1484534 (VCV001484534.8), dbSNP rs2151559300, ClinGen allele CA399014378.

ClinVar aggregate classification (germline): Uncertain significance (1 of 4 stars; one submission).

Conditions:
Neurofibromatosis, type 1 (NF1). Also called: NEUROFIBROMATOSIS, TYPE I, SOMATIC; Neurofibromatosis, type I; VON RECKLINGHAUSEN DISEASE; Peripheral type neurofibromatosis. Identifiers: Orphanet 636, MedGen C0027831, MONDO:0018975, OMIM 162200. Disease mechanism: loss of function.

Submission:

Labcorp Genetics (formerly Invitae), Labcorp
Classification: Uncertain significance for Neurofibromatosis, type 1. Last evaluated: 2020-10-28. Review status: criteria provided, single submitter. Criteria: Invitae Variant Classification Sherloc (09022015). Collection method: clinical testing. Allele origin: germline.
Comment: This variant is not present in population databases (ExAC no frequency). In summary, the available evidence is currently insufficient to determine the role of this variant in disease. Therefore, it has been classified as a Variant of Uncertain Significance. Algorithms developed to predict the effect of missense changes on protein structure and function are either unavailable or do not agree on the potential impact of this missense change (SIFT: "Deleterious"; PolyPhen-2: "Probably Damaging"; Align-GVGD: "Class C0"). This variant has not been reported in the literature in individuals with NF1-related conditions. This sequence change replaces valine with leucine at codon 2274 of the NF1 protein (p.Val2274Leu). The valine residue is highly conserved and there is a small physicochemical difference between valine and leucine.